The following is an entry in ClinVar:

ClinVar aggregate classification (germline): Uncertain significance (1 of 4 stars; one submission).

Submission:

Labcorp Genetics (formerly Invitae), Labcorp
Classification: Uncertain significance. Last evaluated: 2024-07-23. Review status: criteria provided, single submitter. Criteria: Invitae Variant Classification Sherloc (09022015). Collection method: clinical testing. Allele origin: germline.
Comment: This sequence change replaces leucine, which is neutral and non-polar, with valine, which is neutral and non-polar, at codon 806 of the HUWE1 protein (p.Leu806Val). This variant is not present in population databases (gnomAD no frequency). This variant has not been reported in the literature in individuals affected with HUWE1-related conditions. Advanced modeling of protein sequence and biophysical properties (such as structural, functional, and spatial information, amino acid conservation, physicochemical variation, residue mobility, and thermodynamic stability) has been performed at Invitae for this missense variant, however the output from this modeling did not meet the statistical confidence thresholds required to predict the impact of this variant on HUWE1 protein function. In summary, the available evidence is currently insufficient to determine the role of this variant in disease. Therefore, it has been classified as a Variant of Uncertain Significance.

NM_031407.7(HUWE1):c.2416T>G (p.Leu806Val)

Gene: HUWE1 (HECT, UBA and WWE domain containing E3 ubiquitin protein ligase 1; minus strand). Cytogenetic location: Xp11.22.
Variant type: single nucleotide variant.
Coding change: c.2416T>G on transcript NM_031407.7 (MANE Select); coding-DNA position 2416, T replaced by G.
Protein change: p.Leu806Val; replaces leucine 806 with valine.
Molecular consequence: missense variant.
Genome position (GRCh38, 1-based): chrX:53,607,603, A>C on the plus strand (T>G on the coding strand, the complement: HUWE1 is on the minus strand). VCF-style: chrX-53607603-A-C. GRCh37 (hg19) VCF-style: chrX-53634564-A-C.
Other names: short protein forms L806V.
Identifiers: ClinVar variation 3634933 (VCV003634933.2).